The following is an entry in ClinVar:

ClinVar aggregate classification (germline): Uncertain significance (1 of 4 stars; one submission).

Conditions:
Familial thoracic aortic aneurysm and aortic dissection (TAAD). Also called: Thoracic aortic aneurysms and dissections. Identifiers: Orphanet 91387, MedGen C4707243, MONDO:0019625.

Submission:

Color Diagnostics, LLC DBA Color Health
Classification: Uncertain significance for Familial thoracic aortic aneurysm and aortic dissection. Last evaluated: 2024-01-08. Review status: criteria provided, single submitter. Criteria: ACMG Guidelines, 2015. Collection method: clinical testing. Allele origin: germline.
Comment: This missense variant replaces glycine with alanine at codon 204 of the MYH11 protein. Computational prediction is inconclusive regarding the impact of this variant on protein structure and function (internally defined REVEL score threshold 0.5 < inconclusive < 0.7, PMID: 27666373). To our knowledge, functional studies have not been reported for this variant. This variant has not been reported in individuals affected with MYH11-related disorders in the literature. This variant has not been identified in the general population by the Genome Aggregation Database (gnomAD). The available evidence is insufficient to determine the role of this variant in disease conclusively. Therefore, this variant is classified as a Variant of Uncertain Significance.

NM_002474.3(MYH11):c.611G>C (p.Gly204Ala)

Gene: MYH11 (myosin heavy chain 11; minus strand). Cytogenetic location: 16p13.11.
Variant type: single nucleotide variant.
Coding change: c.611G>C on transcript NM_002474.3 (MANE Select); coding-DNA position 611, G replaced by C.
Protein change: p.Gly204Ala; replaces glycine 204 with alanine.
Molecular consequence: missense variant.
Genome position (GRCh38, 1-based): chr16:15,786,652, C>G on the plus strand (G>C on the coding strand, the complement: MYH11 is on the minus strand). VCF-style: chr16-15786652-C-G. GRCh37 (hg19) VCF-style: chr16-15880509-C-G.
Other names: c.611G>C, p.Gly204Ala (NM_001040113.2, NM_001040114.2, NM_022844.3); short protein forms G204A.
Identifiers: ClinVar variation 3894428 (VCV003894428.1).